The following is an entry in ClinVar:

ClinVar aggregate classification (germline): Likely benign (1 of 4 stars; one submission).

Conditions:
SPTBN4-related disorder. Also called: SPTBN4-related condition.

gnomAD v4.1: 117 of 1,565,710 alleles (0.0075%); highest among the groups gnomAD compares: Non-Finnish European, 0.0097%; no homozygotes.

Submission:

PreventionGenetics, part of Exact Sciences
Classification: Likely benign for SPTBN4-related condition. Last evaluated: 2026-01-21. Review status: criteria provided, single submitter. Criteria: ACMG Guidelines, 2015. Collection method: clinical testing. Allele origin: germline.
Comment: This variant is classified as likely benign based on ACMG/AMP sequence variant interpretation guidelines (Richards et al. 2015 PMID: 25741868, with internal and published modifications).

NM_020971.3(SPTBN4):c.7033C>T (p.Leu2345=)

Gene: SPTBN4 (spectrin beta, non-erythrocytic 4; plus strand). Cytogenetic location: 19q13.2.
Variant type: single nucleotide variant.
Coding change: c.7033C>T on transcript NM_020971.3 (MANE Select); coding-DNA position 7033, C replaced by T.
Protein change: p.Leu2345=; no amino-acid change (leucine 2345 retained).
Molecular consequence: synonymous variant.
Genome position (GRCh38, 1-based): chr19:40,570,442, C>T. VCF-style: chr19-40570442-C-T. GRCh37 (hg19) VCF-style: chr19-41076348-C-T.
Identifiers: ClinVar variation 4979796 (VCV004979796.1).
Genomic context (GRCh38, chr19:40,570,442, plus strand): 5'-GACCCCCACACCCTCTCCATGGACAGCACCCCTCTTCCCCCTCCCTTCACACAGCCGTCG[C>T]TGCCTCAGCCACGCGAGCTTCCCCCAGGTCGCCTGCCCAACGGGCTTGAGCTGCCCGAGC-3'
Protein context (NP_066022.2, residues 2335-2355): AGPGLPAGPS[Leu2345=]PQPRELPPGR